The following is an entry in ClinVar:

ClinVar aggregate classification (germline): Likely pathogenic. Review status: criteria provided, single submitter (1 of 4 stars). 2 submissions from 2 submitters: Likely pathogenic (1). 1 of the submissions does not count toward it. Last evaluated 2019-09-06.

Conditions:
Fanconi anemia complementation group A (FANCA). Also called: FANCA-Related Fanconi Anemia; Fanconi anemia, group A. Identifiers: Orphanet 84, MedGen C3469521, MONDO:0009215, OMIM 227650.
Fanconi anemia (FA). Also called: Fanconi's anemia. Identifiers: Orphanet 84, MedGen C0015625, MeSH D005199, MONDO:0019391.

Submissions (2):

Labcorp Genetics (formerly Invitae), Labcorp
Classification: Likely pathogenic for Fanconi anemia. Last evaluated: 2019-09-06. Review status: criteria provided, single submitter. Criteria: Invitae Variant Classification Sherloc (09022015). Collection method: clinical testing. Allele origin: germline.
Comment: Algorithms developed to predict the effect of sequence changes on RNA splicing suggest that this variant may disrupt the consensus splice site, but this prediction has not been confirmed by published transcriptional studies. Donor and acceptor splice site variants typically lead to a loss of protein function (PMID: 16199547), and loss-of-function variants in FANCA are known to be pathogenic (PMID: 19367192). In summary, the currently available evidence indicates that the variant is pathogenic, but additional data are needed to prove that conclusively. Therefore, this variant has been classified as Likely Pathogenic. This sequence change affects a donor splice site in intron 4 of the FANCA gene. It is expected to disrupt RNA splicing and likely results in an absent or disrupted protein product. This variant is not present in population databases (ExAC no frequency). Disruption of this splice site has been observed in an individual affected with Fanconi anemia (PMID: 29098742).

Leiden Open Variation Database
Classification: Pathogenic for Fanconi anemia complementation group A. Last evaluated: 2020-02-28. Review status: no assertion criteria provided. Collection method: curation. Allele origin: germline. Affected: yes. Not counted in ClinVar's aggregate classification.
Comment: Curator: Arleen D. Auerbach. Submitter to LOVD: Arleen D. Auerbach.

Literature cited by the submitters: PubMed 16199547 (cited by Labcorp Genetics (formerly Invitae), Labcorp); PubMed 19367192 (cited by Labcorp Genetics (formerly Invitae), Labcorp); PubMed 29098742 (cited by Labcorp Genetics (formerly Invitae), Labcorp).

NM_000135.4(FANCA):c.426+2T>G

Gene: FANCA (FA complementation group A; minus strand). Cytogenetic location: 16q24.3.
Variant type: single nucleotide variant.
Coding change: c.426+2T>G on transcript NM_000135.4 (MANE Select); the canonical splice donor site of the intron after coding-DNA position 426, T replaced by G.
Molecular consequence: splice donor variant.
Genome position (GRCh38, 1-based): chr16:89,810,927, A>C on the plus strand (T>G on the coding strand, the complement: FANCA is on the minus strand). VCF-style: chr16-89810927-A-C. GRCh37 (hg19) VCF-style: chr16-89877335-A-C.
Other names: c.426+2T>G (NM_001286167.3, NM_001351830.2, NM_001018112.3).
Identifiers: ClinVar variation 647406 (VCV000647406.13), dbSNP rs1598190568, ClinGen allele CA397480848.
Genomic context (GRCh38, chr16:89,810,927, plus strand): 5'-ATTTTCCCAACCAGCTTAAAAGTAACAACGGGCAGGTTTCCTCATCTTTGCTGGTGTCTT[A>C]CTCTCTGCTCCACAGTCAGCAGCACAGGGTGACTGGTCTCCGCTGGAGCCGTGCAGATCT-3'